The following is an entry in ClinVar:

NM_006949.4(STXBP2):c.264del (p.Asp90fs)

Gene: STXBP2 (syntaxin binding protein 2; plus strand). Cytogenetic location: 19p13.2.
Variant type: Deletion.
Coding change: c.264del on transcript NM_006949.4 (MANE Select); coding-DNA position 264, one base deleted (C; older notation c.264delC).
Protein change: p.Asp90fs; shifts the reading frame from aspartic acid 90.
Molecular consequence: frameshift variant. On other transcripts: non-coding transcript variant (1).
Genome position (GRCh38, 1-based): chr19:7,640,748, C deleted. VCF-style (leftmost placement, unchanged base first): chr19-7640747-TC-T. GRCh37 (hg19) VCF-style: chr19-7705633-TC-T.
Other names: c.255del, p.Asp87fs (NM_001127396.3); c.297del, p.Asp101fs (NM_001272034.2); c.168del, p.Asp58fs (NM_001414484.1); short protein forms D58fs, D87fs, D90fs, D101fs.
Identifiers: ClinVar variation 4713973 (VCV004713973.1).

ClinVar aggregate classification (germline): Pathogenic (1 of 4 stars; one submission).

Conditions:
Familial hemophagocytic lymphohistiocytosis 5. Also called: STXBP2-Related Familial Hemophagocytic Lymphohistiocytosis (STXBP2-fHLH). Identifiers: Orphanet 540, MedGen C2751293, MONDO:0013135, OMIM 613101.

Submission:

Labcorp Genetics (formerly Invitae), Labcorp
Classification: Pathogenic for Familial hemophagocytic lymphohistiocytosis 5. Last evaluated: 2025-05-18. Review status: criteria provided, single submitter. Criteria: Invitae Variant Classification Sherloc (09022015). Collection method: clinical testing. Allele origin: germline.
Comment: This sequence change creates a premature translational stop signal (p.Asp90Thrfs*29) in the STXBP2 gene. It is expected to result in an absent or disrupted protein product. Loss-of-function variants in STXBP2 are known to be pathogenic (PMID: 19804848, 22451424). This variant is not present in population databases (gnomAD no frequency). This variant has not been reported in the literature in individuals affected with STXBP2-related conditions. For these reasons, this variant has been classified as Pathogenic.

Literature cited by the submitters: PubMed 19804848; PubMed 22451424.